The following is an entry in ClinVar:

ClinVar aggregate classification (germline): Uncertain significance (1 of 4 stars; one submission).

Conditions:
Danon disease. Also called: Glycogen Storage Disease Type IIb; ANTOPOL DISEASE; PSEUDOGLYCOGENOSIS II; GSD IIb; LYSOSOMAL GLYCOGEN STORAGE DISEASE WITHOUT ACID MALTASE DEFICIENCY. Identifiers: Orphanet 34587, MedGen C0878677, MONDO:0010281, OMIM 300257.

Submission:

Labcorp Genetics (formerly Invitae), Labcorp
Classification: Uncertain significance for Danon disease. Last evaluated: 2022-07-26. Review status: criteria provided, single submitter. Criteria: Invitae Variant Classification Sherloc (09022015). Collection method: clinical testing. Allele origin: germline.
Comment: This sequence change replaces alanine, which is neutral and non-polar, with proline, which is neutral and non-polar, at codon 142 of the LAMP2 protein (p.Ala142Pro). This variant is not present in population databases (gnomAD no frequency). This variant has not been reported in the literature in individuals affected with LAMP2-related conditions. ClinVar contains an entry for this variant (Variation ID: 943794). Algorithms developed to predict the effect of missense changes on protein structure and function are either unavailable or do not agree on the potential impact of this missense change (SIFT: "Tolerated"; PolyPhen-2: "Possibly Damaging"; Align-GVGD: "Class C0"). In summary, the available evidence is currently insufficient to determine the role of this variant in disease. Therefore, it has been classified as a Variant of Uncertain Significance.

NM_002294.3(LAMP2):c.424G>C (p.Ala142Pro)

Gene: LAMP2 (lysosome associated membrane protein 2; minus strand). Cytogenetic location: Xq24.
Variant type: single nucleotide variant.
Coding change: c.424G>C on transcript NM_002294.3 (MANE Select); coding-DNA position 424, G replaced by C.
Protein change: p.Ala142Pro; replaces alanine 142 with proline.
Molecular consequence: missense variant.
Genome position (GRCh38, 1-based): chrX:120,449,102, C>G on the plus strand (G>C on the coding strand, the complement: LAMP2 is on the minus strand). VCF-style: chrX-120449102-C-G. GRCh37 (hg19) VCF-style: chrX-119582957-C-G.
Other names: c.424G>C, p.Ala142Pro (NM_001122606.1, NM_013995.2); short protein forms A142P.
Identifiers: ClinVar variation 943794 (VCV000943794.9), dbSNP rs2058610678, ClinGen allele CA414402313.
Genomic context (GRCh38, chrX:120,449,102, plus strand): 5'-TCTTTTCCAAAGTTGATAAACTATTGCATCTAAAAAGGTCATTCAATGGAATTCTGATGG[C>G]CAAAAGTTCATCAACAGTAAGAATTCCTATAAAACAAGATTAACAATGGCTATTTCCAAG-3'
Protein context (NP_002285.1, residues 132-152): KGILTVDELL[Ala142Pro]IRIPLNDLFR